The following is an entry in ClinVar:

ClinVar aggregate classification (germline): Uncertain significance (1 of 4 stars; one submission).

Allele frequency attached by ClinVar (database versions not stated): gnomAD exomes 0.00002 and 0.00005; gnomAD 0.00006 and 0.00007; TOPMed 0.00008.
gnomAD v4.1: 21 of 1,614,044 alleles (0.0013%); highest among the groups gnomAD compares: Admixed American, 0.035%; no homozygotes.

Submission:

Labcorp Genetics (formerly Invitae), Labcorp
Classification: Uncertain significance. Last evaluated: 2022-03-18. Review status: criteria provided, single submitter. Criteria: Invitae Variant Classification Sherloc (09022015). Collection method: clinical testing. Allele origin: germline.
Comment: This sequence change replaces leucine, which is neutral and non-polar, with valine, which is neutral and non-polar, at codon 353 of the MTMR14 protein (p.Leu353Val). This variant is present in population databases (no rsID available, gnomAD 0.04%). This variant has not been reported in the literature in individuals affected with MTMR14-related conditions. Algorithms developed to predict the effect of missense changes on protein structure and function (SIFT, PolyPhen-2, Align-GVGD) all suggest that this variant is likely to be tolerated. In summary, the available evidence is currently insufficient to determine the role of this variant in disease. Therefore, it has been classified as a Variant of Uncertain Significance.

NM_001077525.3(MTMR14):c.1057C>G (p.Leu353Val)

Gene: MTMR14 (myotubularin related protein 14; plus strand). Cytogenetic location: 3p25.3.
Variant type: single nucleotide variant.
Coding change: c.1057C>G on transcript NM_001077525.3 (MANE Select); coding-DNA position 1057, C replaced by G.
Protein change: p.Leu353Val; replaces leucine 353 with valine.
Molecular consequence: missense variant.
Genome position (GRCh38, 1-based): chr3:9,684,894, C>G. VCF-style: chr3-9684894-C-G. GRCh37 (hg19) VCF-style: chr3-9726578-C-G.
Other names: c.1057C>G, p.Leu353Val (NM_001077526.3, NM_022485.5); short protein forms L353V.
Identifiers: ClinVar variation 1414758 (VCV001414758.8), dbSNP rs1248200203, ClinGen allele CA351692129.